The following is an entry in ClinVar:

NC_000003.12:g.(?_169481351)_(169484227_?)del

Genes: MECOM (MDS1 and EVI1 complex locus; minus strand), TERC (telomerase RNA component; minus strand). Cytogenetic location: 3q26.2.
Variant type: Deletion.
Identifiers: ClinVar variation 972905 (VCV000972905.2).

ClinVar aggregate classification (germline): Likely pathogenic (1 of 4 stars; one submission).

Conditions:
Dyskeratosis congenita, autosomal dominant 1 (DKCA1). Also called: Dyskeratosis congenita Scoggins type. Identifiers: Orphanet 1775, MedGen C4551974, MONDO:0007485, OMIM 127550. Inheritance: Variable.

Submission:

Godley laboratory, The University of Chicago
Classification: Likely pathogenic for Dyskeratosis congenita, autosomal dominant 1. Last evaluated: 2020-05-21. Review status: criteria provided, single submitter. Criteria: ACMG Guidelines, 2015. Collection method: clinical testing. Allele origin: germline. Inheritance: Autosomal dominant inheritance. Affected: yes. Observed: 1 heterozygote.
Comment: The telomere length in lymphocytes is below the 1st percentile.